The following is an entry in ClinVar:

NM_001363711.2(DUOX2):c.3367G>T (p.Ala1123Ser)

Gene: DUOX2 (dual oxidase 2; minus strand). Cytogenetic location: 15q21.1.
Variant type: single nucleotide variant.
Coding change: c.3367G>T on transcript NM_001363711.2 (MANE Select); coding-DNA position 3367, G replaced by T.
Protein change: p.Ala1123Ser; replaces alanine 1123 with serine.
Molecular consequence: missense variant.
Genome position (GRCh38, 1-based): chr15:45,099,710, C>A on the plus strand (G>T on the coding strand, the complement: DUOX2 is on the minus strand). VCF-style: chr15-45099710-C-A. GRCh37 (hg19) VCF-style: chr15-45391908-C-A.
Other names: c.3367G>T, p.Ala1123Ser (NM_014080.5); short protein forms A1123S.
Identifiers: ClinVar variation 2147654 (VCV002147654.1), dbSNP rs113632824, ClinGen allele CA7537903.

ClinVar aggregate classification (germline): Uncertain significance (1 of 4 stars; one submission).

gnomAD v4.1: 17 of 1,614,028 alleles (0.0011%); highest among the groups gnomAD compares: Admixed American, 0.0017%; no homozygotes.

Submission:

Labcorp Genetics (formerly Invitae), Labcorp
Classification: Uncertain significance. Last evaluated: 2022-06-25. Review status: criteria provided, single submitter. Criteria: Invitae Variant Classification Sherloc (09022015). Collection method: clinical testing. Allele origin: germline.
Comment: This sequence change replaces alanine, which is neutral and non-polar, with serine, which is neutral and polar, at codon 1123 of the DUOX2 protein (p.Ala1123Ser). This variant is present in population databases (rs113632824, gnomAD 0.002%). This variant has not been reported in the literature in individuals affected with DUOX2-related conditions. Algorithms developed to predict the effect of missense changes on protein structure and function are either unavailable or do not agree on the potential impact of this missense change (SIFT: "Tolerated"; PolyPhen-2: "Probably Damaging"; Align-GVGD: "Class C0"). In summary, the available evidence is currently insufficient to determine the role of this variant in disease. Therefore, it has been classified as a Variant of Uncertain Significance.